The following is an entry in ClinVar:

ClinVar aggregate classification (germline): Conflicting classifications of pathogenicity. Review status: criteria provided, conflicting classifications (1 of 4 stars). 7 submissions from 7 submitters: Uncertain significance (6); Likely benign (1). Last evaluated 2025-03-04.

Conditions:
Hereditary nonpolyposis colorectal neoplasms. Identifiers: MedGen C0009405, MeSH D003123.
Mismatch repair cancer syndrome 3. Identifiers: MedGen C5436807, MONDO:0030841, OMIM 619097.
Lynch syndrome 5 (LYNCH5). Also called: Colorectal cancer, hereditary nonpolyposis, type 5; Hereditary non-polyposis colorectal cancer, type 5. Identifiers: Orphanet 144, MedGen C1833477, MONDO:0013710, OMIM 614350. Disease mechanism: loss of function.
Endometrial carcinoma. Also called: Endometrial carcinoma, somatic. Identifiers: MedGen C0476089, MONDO:0002447, OMIM 608089, HP:0012114.
Hereditary cancer-predisposing syndrome. Also called: Neoplastic Syndromes, Hereditary; Tumor predisposition; Hereditary Cancer Syndrome; Hereditary neoplastic syndrome. Identifiers: Orphanet 140162, MedGen C0027672, MeSH D009386, MONDO:0015356.
Lynch syndrome. Identifiers: Orphanet 144, MedGen C4552100, MONDO:0005835. Disease mechanism: loss of function.

Allele frequency attached by ClinVar (database versions not stated): gnomAD 0.00001; gnomAD exomes 0.00001 and 0.00002; ExAC 0.00002.
gnomAD v4.1: 11 of 1,605,018 alleles (0.00069%); highest among the groups gnomAD compares: Non-Finnish European, 0.00034%; no homozygotes.

Submissions (7):

Color Diagnostics, LLC DBA Color Health
Classification: Uncertain significance for Hereditary cancer-predisposing syndrome. Last evaluated: 2025-03-04. Review status: criteria provided, single submitter. Criteria: ACMG Guidelines, 2015. Collection method: clinical testing. Allele origin: germline.
Comment: This missense variant replaces tryptophan with cysteine at codon 970 of the MSH6 protein. Computational prediction suggests that this variant may have deleterious impact on protein structure and function. To our knowledge, functional studies have not been reported for this variant. This variant has not been reported in individuals affected with MSH6-related disorders in the literature. This variant has been identified in 6/274074 chromosomes in the general population by the Genome Aggregation Database (gnomAD). The available evidence is insufficient to determine the role of this variant in disease conclusively. Therefore, this variant is classified as a Variant of Uncertain Significance.

Labcorp Genetics (formerly Invitae), Labcorp
Classification: Likely benign for Hereditary nonpolyposis colorectal neoplasms. Last evaluated: 2025-01-13. Review status: criteria provided, single submitter. Criteria: Invitae Variant Classification Sherloc (09022015). Collection method: clinical testing. Allele origin: germline.

Ambry Genetics
Classification: Uncertain significance for Hereditary cancer-predisposing syndrome. Last evaluated: 2024-12-30. Review status: criteria provided, single submitter. Criteria: Ambry Variant Classification Scheme 2023. Collection method: clinical testing. Allele origin: germline.
Comment: The p.W970C variant (also known as c.2910G>C), located in coding exon 4 of the MSH6 gene, results from a G to C substitution at nucleotide position 2910. The tryptophan at codon 970 is replaced by cysteine, an amino acid with highly dissimilar properties. This amino acid position is highly conserved in available vertebrate species. In addition, this alteration is predicted to be deleterious by in silico analysis. Since supporting evidence is limited at this time, the clinical significance of this alteration remains unclear.

All of Us Research Program, National Institutes of Health
Classification: Uncertain significance for Lynch syndrome. Last evaluated: 2023-09-05. Review status: criteria provided, single submitter. Criteria: ACMG Guidelines, 2015. Collection method: clinical testing. Allele origin: germline. Inheritance: Autosomal dominant inheritance. Observed: 4 variant alleles, 4 heterozygotes.
Comment: This missense variant replaces tryptophan with cysteine at codon 970 of the MSH6 protein. Computational prediction suggests that this variant may have deleterious impact on protein structure and function (internally defined REVEL score threshold >= 0.7, PMID: 27666373). To our knowledge, functional studies have not been reported for this variant. This variant has not been reported in individuals affected with MSH6-related disorders in the literature. This variant has been identified in 6/274074 chromosomes in the general population by the Genome Aggregation Database (gnomAD). The available evidence is insufficient to determine the role of this variant in disease conclusively. Therefore, this variant is classified as a Variant of Uncertain Significance.

This study involves interpretation of variants in research participants for the purpose of population health screening. Participant phenotype was not available at the time of variant classification. Additional details can be found in publication PMID: 35346344, PMCID: PMC8962531

Blueprint Genetics
Classification: Uncertain significance. Last evaluated: 2022-12-19. Review status: criteria provided, single submitter. Criteria: ACMG Guidelines, 2015. Collection method: clinical testing. Allele origin: germline.

Department of Pathology and Laboratory Medicine, Sinai Health System
Classification: Uncertain significance for Endometrial carcinoma; Lynch syndrome 5; Mismatch repair cancer syndrome 3. Last evaluated: 2022-10-13. Review status: criteria provided, single submitter. Criteria: ACMG Guidelines, 2015. Collection method: clinical testing. Allele origin: germline. Affected: no.

Clinical Genetics Laboratory, Skane University Hospital Lund
Classification: Uncertain significance. Last evaluated: 2022-09-23. Review status: criteria provided, single submitter. Criteria: ACMG Guidelines, 2015. Collection method: clinical testing. Allele origin: germline. Affected: yes.

NM_000179.3(MSH6):c.2910G>C (p.Trp970Cys)

Gene: MSH6 (mutS homolog 6; plus strand). Cytogenetic location: 2p16.3.
Variant type: single nucleotide variant.
Coding change: c.2910G>C on transcript NM_000179.3 (MANE Select); coding-DNA position 2910, G replaced by C.
Protein change: p.Trp970Cys; replaces tryptophan 970 with cysteine.
Molecular consequence: missense variant.
Genome position (GRCh38, 1-based): chr2:47,800,893, G>C. VCF-style: chr2-47800893-G-C. GRCh37 (hg19) VCF-style: chr2-48028032-G-C.
Other names: c.2520G>C, p.Trp840Cys (NM_001281492.2); c.2004G>C, p.Trp668Cys (NM_001281493.2, NM_001281494.2); short protein forms W970C, W840C, W668C.
Identifiers: ClinVar variation 410518 (VCV000410518.14), dbSNP rs765411990, ClinGen allele CA069814.